The following is an entry in ClinVar:

ClinVar aggregate classification (germline): Pathogenic (1 of 4 stars; one submission).

Conditions:
Early-infantile DEE. Also called: Ohtahara syndrome; Early infantile epileptic encephalopathy with suppression bursts; Early infantile epileptic encephalopathy. Identifiers: Orphanet 1934, MedGen C0393706, MONDO:0800491.

Submission:

Labcorp Genetics (formerly Invitae), Labcorp
Classification: Pathogenic for Early-infantile DEE. Last evaluated: 2024-02-12. Review status: criteria provided, single submitter. Criteria: Invitae Variant Classification Sherloc (09022015). Collection method: clinical testing. Allele origin: germline.
Comment: This sequence change replaces valine, which is neutral and non-polar, with phenylalanine, which is neutral and non-polar, at codon 225 of the KCNQ2 protein (p.Val225Phe). This variant is not present in population databases (gnomAD no frequency). This missense change has been observed in individual(s) with clinical features of KCNQ2-related conditions (Invitae). In at least one individual the variant was observed to be de novo. Advanced modeling of protein sequence and biophysical properties (such as structural, functional, and spatial information, amino acid conservation, physicochemical variation, residue mobility, and thermodynamic stability) performed at Invitae indicates that this missense variant is expected to disrupt KCNQ2 protein function with a positive predictive value of 95%. For these reasons, this variant has been classified as Pathogenic.

NM_172107.4(KCNQ2):c.673G>T (p.Val225Phe)

Gene: KCNQ2 (potassium voltage-gated channel subfamily Q member 2; minus strand). Cytogenetic location: 20q13.33.
Variant type: single nucleotide variant.
Coding change: c.673G>T on transcript NM_172107.4 (MANE Select); coding-DNA position 673, G replaced by T.
Protein change: p.Val225Phe; replaces valine 225 with phenylalanine.
Molecular consequence: missense variant.
Genome position (GRCh38, 1-based): chr20:63,444,676, C>A on the plus strand (G>T on the coding strand, the complement: KCNQ2 is on the minus strand). VCF-style: chr20-63444676-C-A. GRCh37 (hg19) VCF-style: chr20-62076029-C-A.
Other names: c.673G>T, p.Val225Phe (NM_172106.3, NM_172108.5, NM_172109.3 and 2 more transcripts); short protein forms V225F.
Identifiers: ClinVar variation 2702661 (VCV002702661.3), dbSNP rs2145774598, ClinGen allele CA409654673.